The following is an entry in ClinVar:

ClinVar aggregate classification (germline): Conflicting classifications of pathogenicity. Review status: criteria provided, conflicting classifications (1 of 4 stars). 2 submissions from 2 submitters: Uncertain significance (1); Likely benign (1). Last evaluated 2024-09-09.

Conditions:
Cardiac arrhythmia. Also called: Arrhythmia; Cardiac rhythm disease. Identifiers: MedGen C0003811, MONDO:0007263, HP:0011675.
Long QT syndrome (LQTS). Identifiers: MedGen C0023976, MeSH D008133, MONDO:0002442. Disease mechanism: loss of function. Inheritance: Various modes of inheritance.

gnomAD v4.1: 4 of 1,613,696 alleles (0.00025%); highest among the groups gnomAD compares: Non-Finnish European, 0.00034%; no homozygotes.

Submissions (2):

Color Diagnostics, LLC DBA Color Health
Classification: Likely benign for Cardiac arrhythmia. Last evaluated: 2024-09-09. Review status: criteria provided, single submitter. Criteria: ACMG Guidelines, 2015. Collection method: clinical testing. Allele origin: germline.

All of Us Research Program, National Institutes of Health
Classification: Uncertain significance for Long QT syndrome. Last evaluated: 2023-08-15. Review status: criteria provided, single submitter. Criteria: ACMG Guidelines, 2015. Collection method: clinical testing. Allele origin: germline. Inheritance: Autosomal dominant inheritance. Observed: 1 variant allele, 1 heterozygote.
Comment: This variant causes a C to G nucleotide substitution at the -9 position of intron 14 of the KCNQ1 gene. To our knowledge, functional studies have not been reported for this variant. This variant has not been reported in individuals affected with KCNQ1-related disorders in the literature. This variant has not been identified in the general population by the Genome Aggregation Database (gnomAD). The available evidence is insufficient to determine the role of this variant in disease conclusively. Therefore, this variant is classified as a Variant of Uncertain Significance.

This study involves interpretation of variants in research participants for the purpose of population health screening. Participant phenotype was not available at the time of variant classification. Additional details can be found in publication PMID: 35346344, PMCID: PMC8962531

NM_000218.3(KCNQ1):c.1733-9C>G

Gene: KCNQ1 (potassium voltage-gated channel subfamily Q member 1; plus strand). Cytogenetic location: 11p15.5.
Variant type: single nucleotide variant.
Coding change: c.1733-9C>G on transcript NM_000218.3 (MANE Select); 9 bases into the intron before coding-DNA position 1733, C replaced by G.
Molecular consequence: intron variant.
Genome position (GRCh38, 1-based): chr11:2,777,967, C>G. VCF-style: chr11-2777967-C-G. GRCh37 (hg19) VCF-style: chr11-2799197-C-G.
Other names: c.1463-9C>G (NM_001406837.1); c.1637-9C>G (NM_001406836.1); c.1193-9C>G (NM_001406838.1); c.1352-9C>G (NM_181798.2); c.245-9C>G (NM_001406839.1).
Identifiers: ClinVar variation 3072957 (VCV003072957.2), dbSNP rs897070017, ClinGen allele CA2574728527.